The following is an entry in ClinVar:

ClinVar aggregate classification (germline): Uncertain significance (1 of 4 stars; one submission).

gnomAD v4.1: 1 of 1,613,820 alleles (0.000062%); highest among the groups gnomAD compares: Non-Finnish European, 0.000085%; no homozygotes.

Submission:

Labcorp Genetics (formerly Invitae), Labcorp
Classification: Uncertain significance. Last evaluated: 2022-10-13. Review status: criteria provided, single submitter. Criteria: Invitae Variant Classification Sherloc (09022015). Collection method: clinical testing. Allele origin: germline.
Comment: This sequence change replaces proline, which is neutral and non-polar, with arginine, which is basic and polar, at codon 2068 of the ADGRV1 protein (p.Pro2068Arg). This variant is not present in population databases (gnomAD no frequency). This variant has not been reported in the literature in individuals affected with ADGRV1-related conditions. ClinVar contains an entry for this variant (Variation ID: 1061823). Advanced modeling of protein sequence and biophysical properties (such as structural, functional, and spatial information, amino acid conservation, physicochemical variation, residue mobility, and thermodynamic stability) performed at Invitae indicates that this missense variant is not expected to disrupt ADGRV1 protein function. In summary, the available evidence is currently insufficient to determine the role of this variant in disease. Therefore, it has been classified as a Variant of Uncertain Significance.

NM_032119.4(ADGRV1):c.6203C>G (p.Pro2068Arg)

Gene: ADGRV1 (adhesion G protein-coupled receptor V1; plus strand). Cytogenetic location: 5q14.3.
Variant type: single nucleotide variant.
Coding change: c.6203C>G on transcript NM_032119.4 (MANE Select); coding-DNA position 6203, C replaced by G.
Protein change: p.Pro2068Arg; replaces proline 2068 with arginine.
Molecular consequence: missense variant. On other transcripts: non-coding transcript variant (1).
Genome position (GRCh38, 1-based): chr5:90,684,124, C>G. VCF-style: chr5-90684124-C-G. GRCh37 (hg19) VCF-style: chr5-89979941-C-G.
Other names: short protein forms P2068R.
Identifiers: ClinVar variation 1061823 (VCV001061823.9), dbSNP rs762362349, ClinGen allele CA360414353.